The following is an entry in ClinVar:

ClinVar aggregate classification (germline): Pathogenic/Likely pathogenic. Review status: criteria provided, multiple submitters, no conflicts (2 of 4 stars). 2 submissions from 2 submitters: Pathogenic (1); Likely pathogenic (1). Last evaluated 2019-09-08.

Conditions:
BMPR2-related disorder. Also called: BMPR2-related condition; BMPR2-related disorders.

Submissions (2):

ARUP Laboratories, Molecular Genetics and Genomics, ARUP Laboratories
Classification: Pathogenic. Last evaluated: 2019-09-08. Review status: criteria provided, single submitter. Criteria: ARUP Molecular Germline Variant Investigation Process. Collection method: clinical testing. Allele origin: germline.
Comment: The BMPR2 c.1028delA; p.Asn343fs variant, to our knowledge, is not reported in the medical literature or gene-specific databases. This variant is also absent from general population databases (Exome Variant Server, Genome Aggregation Database), indicating it is not a common polymorphism. This variant causes a frameshift by deleting a single nucleotide, so it is predicted to result in a truncated protein or mRNA subject to nonsense-mediated decay. BMPR2 loss-of-function is an established mechanism of disease, and truncating variants downstream of c.1028delA are observed in individuals with pulmonary arterial hypertension and are considered disease-causing (Machado 2006). Based on available information, the c.1028delA variant is considered to be pathogenic. References: Machado RD et al. Mutations of the TGF-beta type II receptor BMPR2 in pulmonary arterial hypertension. Hum Mutat. 2006 Feb;27(2):121-32.

Blueprint Genetics
Classification: Likely pathogenic for BMPR2-related disorders. Last evaluated: 2017-08-18. Review status: criteria provided, single submitter. Criteria: ACMG Guidelines, 2015. Collection method: clinical testing. Allele origin: germline. Affected: yes. Observed: 1 variant allele.

NM_001204.7(BMPR2):c.1028del (p.Asn343fs)

Gene: BMPR2 (bone morphogenetic protein receptor type 2; plus strand). Cytogenetic location: 2q33.2.
Variant type: Deletion.
Coding change: c.1028del on transcript NM_001204.7 (MANE Select); coding-DNA position 1028, one base deleted (A; older notation c.1028delA).
Protein change: p.Asn343fs; shifts the reading frame from asparagine 343.
Molecular consequence: frameshift variant.
Genome position (GRCh38, 1-based): chr2:202,530,854, A deleted; the last of 5 consecutive A bases (chr2:202,530,850-202,530,854); deleting any one gives the same sequence. VCF-style (leftmost placement, unchanged base first): chr2-202530849-GA-G. GRCh37 (hg19) VCF-style: chr2-203395572-GA-G.
Other names: short protein forms N343fs.
Identifiers: ClinVar variation 993609 (VCV000993609.9), dbSNP rs1688010642, ClinGen allele CA1139657614.